The following is an entry in ClinVar:

ClinVar aggregate classification (germline): Uncertain significance (1 of 4 stars; one submission).

Conditions:
Hereditary cancer-predisposing syndrome. Also called: Hereditary Cancer Syndrome; Neoplastic Syndromes, Hereditary; Tumor predisposition; Hereditary neoplastic syndrome. Identifiers: Orphanet 140162, MedGen C0027672, MeSH D009386, MONDO:0015356.

gnomAD v4.1: 4 of 1,614,118 alleles (0.00025%); highest among the groups gnomAD compares: Non-Finnish European, 0.00034%; no homozygotes.

Submission:

Ambry Genetics
Classification: Uncertain significance for Hereditary cancer-predisposing syndrome. Last evaluated: 2026-07-07. Review status: criteria provided, single submitter. Criteria: Ambry Variant Classification Scheme 2023. Collection method: clinical testing. Allele origin: germline.
Comment: The p.P676Q variant (also known as c.2027C>A), located in coding exon 16 of the EGFR gene, results from a C to A substitution at nucleotide position 2027. The proline at codon 676 is replaced by glutamine, an amino acid with similar properties. This amino acid position is conserved. In addition, this alteration is predicted to be tolerated by in silico analysis. Based on the available evidence, the clinical significance of this variant remains unclear.

NM_005228.5(EGFR):c.1881-722C>A

Gene: EGFR (epidermal growth factor receptor; plus strand). Cytogenetic location: 7p11.2.
Variant type: single nucleotide variant.
Coding change: c.1881-722C>A on transcript NM_005228.5 (MANE Select); 722 bases into the intron before coding-DNA position 1881, C replaced by A.
Molecular consequence: intron variant. On other transcripts: missense variant (1).
Genome position (GRCh38, 1-based): chr7:55,170,453, C>A. VCF-style: chr7-55170453-C-A. GRCh37 (hg19) VCF-style: chr7-55238146-C-A.
Other names: c.2027C>A, p.Pro676Gln (NM_201284.2); c.1746-722C>A (NM_001346899.2, NM_001346897.2); c.1080-722C>A (NM_001346941.2); c.1881-722C>A (NM_001346898.2); c.1722-722C>A (NM_001346900.2); short protein forms P676Q.
Identifiers: ClinVar variation 5035764 (VCV005035764.1).